The following is an entry in ClinVar:

ClinVar aggregate classification (germline): Uncertain significance (1 of 4 stars; one submission).

Submission:

Ambry Genetics
Classification: Uncertain significance. Last evaluated: 2024-11-26. Review status: criteria provided, single submitter. Criteria: Ambry Variant Classification Scheme 2023. Collection method: clinical testing. Allele origin: germline.
Comment: The p.P830S variant (also known as c.2488C>T), located in coding exon 11 of the WNK2 gene, results from a C to T substitution at nucleotide position 2488. The proline at codon 830 is replaced by serine, an amino acid with similar properties. This amino acid position is conserved. In addition, this alteration is predicted to be tolerated by in silico analysis. Based on the available evidence, the clinical significance of this variant remains unclear.

NM_006648.4(WNK2):c.2488C>T (p.Pro830Ser)

Gene: WNK2 (WNK lysine deficient protein kinase 2; plus strand). Cytogenetic location: 9q22.31.
Variant type: single nucleotide variant.
Coding change: c.2488C>T on transcript NM_006648.4 (MANE Select); coding-DNA position 2488, C replaced by T.
Protein change: p.Pro830Ser; replaces proline 830 with serine.
Molecular consequence: missense variant.
Genome position (GRCh38, 1-based): chr9:93,259,036, C>T. VCF-style: chr9-93259036-C-T. GRCh37 (hg19) VCF-style: chr9-96021318-C-T.
Other names: c.2488C>T, p.Pro830Ser (NM_001282394.3); short protein forms P830S.
Identifiers: ClinVar variation 3470448 (VCV003470448.1).